The following is an entry in ClinVar:

NM_001365536.1(SCN9A):c.126T>A (p.Asp42Glu)

Gene: SCN9A (sodium voltage-gated channel alpha subunit 9; minus strand). Cytogenetic location: 2q24.3.
Variant type: single nucleotide variant.
Coding change: c.126T>A on transcript NM_001365536.1 (MANE Select); coding-DNA position 126, T replaced by A.
Protein change: p.Asp42Glu; replaces aspartic acid 42 with glutamic acid.
Molecular consequence: missense variant.
Genome position (GRCh38, 1-based): chr2:166,311,631, A>T on the plus strand (T>A on the coding strand, the complement: SCN9A is on the minus strand). VCF-style: chr2-166311631-A-T. GRCh37 (hg19) VCF-style: chr2-167168141-A-T.
Other names: c.126T>A, p.Asp42Glu (NM_002977.4); short protein forms D42E.
Identifiers: ClinVar variation 538452 (VCV000538452.9), dbSNP rs371884028, ClinGen allele CA349096050.
Genomic context (GRCh38, chr2:166,311,631, plus strand): 5'-GATGAAGGGCAGCTGTTTGCCAGCTTCCAAGTCACTGCTTGGCTTTGGGGCTTCTTCATC[A>T]TCATCTTTCTTTTCTTCTTTGGGTTCCTTTGATTTTCTTTCAGCAATGCGTTGTTCAATG-3'
Protein context (NP_001352465.1, residues 32-52): SKEPKEEKKD[Asp42Glu]DEEAPKPSSD

ClinVar aggregate classification (germline): Uncertain significance (1 of 4 stars; one submission).

Conditions:
Neuropathy, hereditary sensory and autonomic, type 2A (HSAN2A). Also called: ACROOSTEOLYSIS, GIACCAI TYPE; ACROOSTEOLYSIS, NEUROGENIC; MORVAN DISEASE; NEUROPATHY, CONGENITAL SENSORY; NEUROPATHY, HEREDITARY SENSORY RADICULAR, AUTOSOMAL RECESSIVE; NEUROPATHY, HEREDITARY SENSORY, TYPE IIA. Identifiers: Orphanet 970, MedGen C2752089, MONDO:0024309, OMIM 201300.
Generalized epilepsy with febrile seizures plus, type 7 (GEFSP7). Also called: GEFS+, TYPE 7. Identifiers: Orphanet 36387, MedGen C2751778, MONDO:0013470, OMIM 613863.

Submission:

Labcorp Genetics (formerly Invitae), Labcorp
Classification: Uncertain significance for Neuropathy, hereditary sensory and autonomic, type 2A; Generalized epilepsy with febrile seizures plus, type 7. Last evaluated: 2017-12-06. Review status: criteria provided, single submitter. Criteria: Invitae Variant Classification Sherloc (09022015). Collection method: clinical testing. Allele origin: germline.
Comment: In summary, the available evidence is currently insufficient to determine the role of this variant in disease. Therefore, it has been classified as a Variant of Uncertain Significance. Algorithms developed to predict the effect of missense changes on protein structure and function output the following: SIFT: "Deleterious"; PolyPhen-2: "Benign"; Align-GVGD: "Class C0". The glutamic acid amino acid residue is found in multiple mammalian species, suggesting that this missense change does not adversely affect protein function. These predictions have not been confirmed by published functional studies and their clinical significance is uncertain. This variant has not been reported in the literature in individuals with SCN9A-related disease. This variant is not present in population databases (ExAC no frequency). This sequence change replaces aspartic acid with glutamic acid at codon 42 of the SCN9A protein (p.Asp42Glu). The aspartic acid residue is highly conserved and there is a small physicochemical difference between aspartic acid and glutamic acid.